The following is an entry in ClinVar:

ClinVar aggregate classification (germline): Uncertain significance (1 of 4 stars; one submission).

Conditions:
PLXNA2-related disorder. Also called: PLXNA2-related condition.

Submission:

PreventionGenetics, part of Exact Sciences
Classification: Uncertain significance for PLXNA2-related condition. Last evaluated: 2024-10-15. Review status: criteria provided, single submitter. Criteria: ACMG Guidelines, 2015. Collection method: clinical testing. Allele origin: germline.
Comment: The PLXNA2 c.4154A>G variant is predicted to result in the amino acid substitution p.Asn1385Ser. To our knowledge, this variant has not been reported in the literature or in a large population database (gnomAD), indicating this variant is rare. At this time, the clinical significance of this variant is uncertain due to the absence of conclusive functional and genetic evidence.

NM_025179.4(PLXNA2):c.4154A>G (p.Asn1385Ser)

Gene: PLXNA2 (plexin A2; minus strand). Cytogenetic location: 1q32.2.
Variant type: single nucleotide variant.
Coding change: c.4154A>G on transcript NM_025179.4 (MANE Select); coding-DNA position 4154, A replaced by G.
Protein change: p.Asn1385Ser; replaces asparagine 1385 with serine.
Molecular consequence: missense variant.
Genome position (GRCh38, 1-based): chr1:208,042,230, T>C on the plus strand (A>G on the coding strand, the complement: PLXNA2 is on the minus strand). VCF-style: chr1-208042230-T-C. GRCh37 (hg19) VCF-style: chr1-208215575-T-C.
Other names: short protein forms N1385S.
Identifiers: ClinVar variation 4998113 (VCV004998113.1).